The following is an entry in ClinVar:

NM_007194.4(CHEK2):c.91_111dup (p.Gly37_Ile38insSerSerSerGlnSerGlnGly)

Gene: CHEK2 (checkpoint kinase 2; minus strand). Cytogenetic location: 22q12.1.
Variant type: Duplication.
Coding change: c.91_111dup on transcript NM_007194.4 (MANE Select); coding-DNA positions 91 to 111, 21 bases duplicated (TCCTCCTCACAGTCCCAGGGC).
Protein change: p.Gly37_Ile38insSerSerSerGlnSerGlnGly.
Molecular consequence: inframe insertion. On other transcripts: inframe indel (3).
Genome position (GRCh38, 1-based): chr22:28,734,611-28,734,631, GCCCTGGGACTGTGAGGAGGA duplicated on the plus strand (TCCTCCTCACAGTCCCAGGGC on the coding strand, the reverse complement: CHEK2 is on the minus strand); duplicating any 21 consecutive bases within chr22:28,734,611-28,734,634 gives the same sequence; the c. name uses the placement nearest the transcript's 3' end. VCF-style (leftmost placement, unchanged base first): chr22-28734610-T-TGCCCTGGGACTGTGAGGAGGA. GRCh37 (hg19) VCF-style: chr22-29130598-T-TGCCCTGGGACTGTGAGGAGGA.
Other names: c.91_111dupTCCTCCTCACAGTCCCAGGGC (NM_007194.3); c.88_108dup, p.Gly37_Ile38insSerSerSerGlnSerGlnGly (NM_001005735.3, NM_001349956.3, NM_145862.3); c.-690_-670dup (NM_001257387.3).
Identifiers: ClinVar variation 229673 (VCV000229673.10), dbSNP rs876658135, ClinGen allele CA10581112.

ClinVar aggregate classification (germline): Uncertain significance. Review status: criteria provided, multiple submitters, no conflicts (2 of 4 stars). 2 submissions from 2 submitters: Uncertain significance (2). Last evaluated 2022-01-03.

Conditions:
Hereditary cancer-predisposing syndrome. Also called: Hereditary neoplastic syndrome; Hereditary Cancer Syndrome; Neoplastic Syndromes, Hereditary; Tumor predisposition. Identifiers: Orphanet 140162, MedGen C0027672, MeSH D009386, MONDO:0015356.
Familial cancer of breast. Also called: Hereditary breast cancer; BREAST CANCER, FAMILIAL; hereditary breast carcinoma. Identifiers: Orphanet 227535, MedGen C0346153, MONDO:0016419, OMIM 114480. Disease mechanism: loss of function.

Submissions (2):

Labcorp Genetics (formerly Invitae), Labcorp
Classification: Uncertain significance for Familial cancer of breast. Last evaluated: 2022-01-03. Review status: criteria provided, single submitter. Criteria: Invitae Variant Classification Sherloc (09022015). Collection method: clinical testing. Allele origin: germline.
Comment: This variant, c.91_111dup, results in the insertion of 7 amino acid(s) of the CHEK2 protein (p.Ser31_Gly37dup), but otherwise preserves the integrity of the reading frame. This variant is not present in population databases (gnomAD no frequency). This variant has not been reported in the literature in individuals affected with CHEK2-related conditions. ClinVar contains an entry for this variant (Variation ID: 229673). Algorithms developed to predict the effect of sequence changes on RNA splicing suggest that this variant may create or strengthen a splice site. In summary, the available evidence is currently insufficient to determine the role of this variant in disease. Therefore, it has been classified as a Variant of Uncertain Significance.

Ambry Genetics
Classification: Uncertain significance for Hereditary cancer-predisposing syndrome. Last evaluated: 2015-01-05. Review status: criteria provided, single submitter. Criteria: Ambry Variant Classification Scheme 2023. Collection method: clinical testing. Allele origin: germline.
Comment: The c.91_111dup21 variant (also known as p.S31_G37DUP) located in coding exon 1 of the CHEK2 gene, results from an in-frame 21 nucleotide duplication between nucleotide positions 91 and 111. This results in the duplication of codons 31 to 37, located in the SQ/TQ cluster domain (Matsuoka S, et al. Proc. Natl. Acad. Sci. U.S.A. 2000 Sep; 97(19):10389-94). This variant was not reported in population based cohorts in the following databases: Database of Single Nucleotide Polymorphisms (dbSNP), NHLBI Exome Sequencing Project (ESP), and 1000 Genomes Project. In the ESP, this variant was not observed in 6503 samples (13006 alleles) with coverage at this position. To date, this alteration has been detected with an allele frequency of approximately 0.004% (greater than 26000 alleles tested) in our clinical cohort. These amino acid positions are well conserved in available vertebrate species. Since supporting evidence is limited at this time, the clinical significance of c.91_111dup21 remains unclear.

Literature cited by the submitters: PubMed 10973490 (cited by Ambry Genetics).